The following is an entry in ClinVar:

ClinVar aggregate classification (germline): Benign. Review status: criteria provided, multiple submitters, no conflicts (2 of 4 stars). 5 submissions from 5 submitters: Benign (5). Last evaluated 2026-02-03.

Conditions:
Retinitis pigmentosa (RP). Identifiers: Orphanet 791, MedGen C0035334, MeSH D012174, MONDO:0019200, OMIM 268000. Inheritance: Autosomal dominant, autosomal recessive and X linked inheritance.
Retinal dystrophy. Also called: Inherited retinal dystrophy. Identifiers: Orphanet 71862, MedGen C0854723, MeSH D058499, MONDO:0019118, HP:0000556.

Allele frequency attached by ClinVar (database versions not stated): 1000 Genomes Project 0.25040; 1000 Genomes Project 30x 0.25687; gnomAD 0.26630 and 0.27527; TOPMed 0.27278; ESP Exome Variant Server 0.28971; gnomAD exomes 0.17244 and 0.17781; ExAC 0.18707.
gnomAD v4.1: 293,314 of 1,613,224 alleles (18%); highest among the groups gnomAD compares: African/African-American, 54%; 32,618 homozygotes.

Submissions (5):

Labcorp Genetics (formerly Invitae), Labcorp
Classification: Benign. Last evaluated: 2026-02-03. Review status: criteria provided, single submitter. Criteria: Invitae Variant Classification Sherloc (09022015). Collection method: clinical testing. Allele origin: germline.

Dept Of Ophthalmology, Nagoya University
Classification: Benign for Retinal dystrophy. Last evaluated: 2023-10-01. Review status: criteria provided, single submitter. Criteria: Submitter's publication. Collection method: research. Allele origin: germline. Affected: yes.

GeneDx
Classification: Benign. Last evaluated: 2018-09-11. Review status: criteria provided, single submitter. Criteria: GeneDx Variant Classification Process June 2021. Collection method: clinical testing. Allele origin: germline. Affected: yes.

Illumina Laboratory Services, Illumina
Classification: Benign for Retinitis pigmentosa. Last evaluated: 2018-01-12. Review status: criteria provided, single submitter. Criteria: ICSL Variant Classification Criteria 13 December 2019. Collection method: clinical testing. Allele origin: germline.
Comment: This variant was observed in the ICSL laboratory as part of a predisposition screen in an ostensibly healthy population. It had not been previously curated by ICSL or reported in the Human Gene Mutation Database (HGMD: prior to June 1st, 2018), and was therefore a candidate for classification through an automated scoring system. Utilizing variant allele frequency, disease prevalence and penetrance estimates, and inheritance mode, an automated score was calculated to assess if this variant is too frequent to cause the disease. Based on the score and internal cut-off values, a variant classified as benign is not then subjected to further curation. The score for this variant resulted in a classification of benign for this disease.

Breakthrough Genomics
Classification: Benign. Review status: criteria provided, single submitter. Criteria: ACMG Guidelines, 2015. Collection method: not provided. Allele origin: germline. Inheritance: Autosomal dominant inheritance. Affected: yes.

NM_006445.4(PRPF8):c.637T>C (p.Leu213=)

Gene: PRPF8 (pre-mRNA processing factor 8; minus strand). Cytogenetic location: 17p13.3.
Variant type: single nucleotide variant.
Coding change: c.637T>C on transcript NM_006445.4 (MANE Select); coding-DNA position 637, T replaced by C.
Protein change: p.Leu213=; no amino-acid change (leucine 213 retained).
Molecular consequence: synonymous variant.
Genome position (GRCh38, 1-based): chr17:1,681,836, A>G on the plus strand (T>C on the coding strand, the complement: PRPF8 is on the minus strand). VCF-style: chr17-1681836-A-G. GRCh37 (hg19) VCF-style: chr17-1585130-A-G.
Identifiers: ClinVar variation 321917 (VCV000321917.15), dbSNP rs11559305, ClinGen allele CA8272586.